The following is an entry in ClinVar:

ClinVar aggregate classification (germline): Likely benign (1 of 4 stars; one submission).

Conditions:
Maple syrup urine disease (MSUD). Identifiers: Orphanet 511, MedGen C0024776, MeSH D008375, MONDO:0009563. Disease mechanism: loss of function.

Allele frequency attached by ClinVar (database versions not stated): gnomAD 0.00020 and 0.00030; TOPMed 0.00036; 1000 Genomes Project 30x 0.00141; 1000 Genomes Project 0.00160.
gnomAD v4.1: 45 of 151,922 alleles (0.03%); highest among the groups gnomAD compares: East Asian, 0.77%; no homozygotes.

Submission:

Illumina Laboratory Services, Illumina
Classification: Likely benign for Maple syrup urine disease type 1A. Last evaluated: 2018-01-13. Review status: criteria provided, single submitter. Criteria: ICSL Variant Classification Criteria 13 December 2019. Collection method: clinical testing. Allele origin: germline.
Comment: This variant was observed in the ICSL laboratory as part of a predisposition screen in an ostensibly healthy population. It had not been previously curated by ICSL or reported in the Human Gene Mutation Database (HGMD: prior to June 1st, 2018), and was therefore a candidate for classification through an automated scoring system. Utilizing variant allele frequency, disease prevalence and penetrance estimates, and inheritance mode, an automated score was calculated to assess if this variant is too frequent to cause the disease. Based on the score and internal cut-off values, a variant classified as likely benign is not then subjected to further curation. The score for this variant resulted in a classification of likely benign for this disease.

NM_183050.4(BCKDHB):c.*2072C>T

Gene: BCKDHB (branched chain keto acid dehydrogenase E1 subunit beta; plus strand). Cytogenetic location: 6q14.1.
Variant type: single nucleotide variant.
Coding change: c.*2072C>T on transcript NM_183050.4 (MANE Select); 2072 bases downstream of the stop codon, C replaced by T.
Molecular consequence: 3 prime UTR variant. On other transcripts: non-coding transcript variant (1), intron variant (1).
Genome position (GRCh38, 1-based): chr6:80,345,876, C>T. VCF-style: chr6-80345876-C-T. GRCh37 (hg19) VCF-style: chr6-81055593-C-T.
Other names: c.*2072C>T (NM_001318975.1); c.*9-99C>T (NM_000056.5).
Identifiers: ClinVar variation 911746 (VCV000911746.4), dbSNP rs183153737, ClinGen allele CA142303563.